The following is an entry in ClinVar:

ClinVar aggregate classification (germline): Uncertain significance (1 of 4 stars; one submission).

Submission:

Ambry Genetics
Classification: Uncertain significance. Last evaluated: 2025-08-29. Review status: criteria provided, single submitter. Criteria: Ambry Variant Classification Scheme 2023. Collection method: clinical testing. Allele origin: germline.
Comment: The c.1534G>A (p.A512T) alteration is located in exon (coding exon ) of the HIPK2 gene. This alteration results from a G to A substitution at nucleotide position 1534, causing the alanine (A) at amino acid position 512 to be replaced by a threonine (T). Based on insufficient or conflicting evidence, the clinical significance of this alteration remains unclear.

NM_022740.5(HIPK2):c.1534G>A (p.Ala512Thr)

Gene: HIPK2 (homeodomain interacting protein kinase 2; minus strand). Cytogenetic location: 7q34.
Variant type: single nucleotide variant.
Coding change: c.1534G>A on transcript NM_022740.5 (MANE Select); coding-DNA position 1534, G replaced by A.
Protein change: p.Ala512Thr; replaces alanine 512 with threonine.
Molecular consequence: missense variant.
Genome position (GRCh38, 1-based): chr7:139,626,686, C>T on the plus strand (G>A on the coding strand, the complement: HIPK2 is on the minus strand). VCF-style: chr7-139626686-C-T. GRCh37 (hg19) VCF-style: chr7-139311432-C-T.
Other names: c.1534G>A, p.Ala512Thr (NM_001113239.3); short protein forms A512T.
Identifiers: ClinVar variation 4270904 (VCV004270904.1).